The following is an entry in ClinVar:

ClinVar aggregate classification (germline): Likely pathogenic (1 of 4 stars; one submission).

Conditions:
Primary ciliary dyskinesia. Also called: Ciliary dyskinesia. Identifiers: Orphanet 244, MedGen C0008780, MONDO:0016575, HP:0012265.

Allele frequency attached by ClinVar (database versions not stated): TOPMed below 0.00001.

Submission:

Labcorp Genetics (formerly Invitae), Labcorp
Classification: Likely pathogenic for Primary ciliary dyskinesia. Last evaluated: 2022-08-08. Review status: criteria provided, single submitter. Criteria: Invitae Variant Classification Sherloc (09022015). Collection method: clinical testing. Allele origin: germline.
Comment: In summary, the currently available evidence indicates that the variant is pathogenic, but additional data are needed to prove that conclusively. Therefore, this variant has been classified as Likely Pathogenic. Algorithms developed to predict the effect of sequence changes on RNA splicing suggest that this variant may disrupt the consensus splice site. This variant has not been reported in the literature in individuals affected with DNAAF5-related conditions. This variant is not present in population databases (gnomAD no frequency). This sequence change affects an acceptor splice site in intron 5 of the DNAAF5 gene. It is expected to disrupt RNA splicing. Variants that disrupt the donor or acceptor splice site typically lead to a loss of protein function (PMID: 16199547), and loss-of-function variants in DNAAF5 are known to be pathogenic (PMID: 24307375, 25232951).

Literature cited by the submitters: PubMed 16199547; PubMed 24307375; PubMed 25232951.

NM_017802.4(DNAAF5):c.1258-2A>G

Gene: DNAAF5 (dynein axonemal assembly factor 5; plus strand). Cytogenetic location: 7p22.3.
Variant type: single nucleotide variant.
Coding change: c.1258-2A>G on transcript NM_017802.4 (MANE Select); the canonical splice acceptor site of the intron before coding-DNA position 1258, A replaced by G.
Molecular consequence: splice acceptor variant.
Genome position (GRCh38, 1-based): chr7:756,780, A>G. VCF-style: chr7-756780-A-G. GRCh37 (hg19) VCF-style: chr7-796417-A-G.
Identifiers: ClinVar variation 2017989 (VCV002017989.4), dbSNP rs1782497993, ClinGen allele CA366537796.